The following is an entry in ClinVar:

NM_001199198.3(TBC1D23):c.612T>C (p.Leu204=)

Gene: TBC1D23 (TBC1 domain family member 23; plus strand). Cytogenetic location: 3q12.1.
Variant type: single nucleotide variant.
Coding change: c.612T>C on transcript NM_001199198.3 (MANE Select); coding-DNA position 612, T replaced by C.
Protein change: p.Leu204=; no amino-acid change (leucine 204 retained).
Molecular consequence: synonymous variant.
Genome position (GRCh38, 1-based): chr3:100,295,098, T>C. VCF-style: chr3-100295098-T-C. GRCh37 (hg19) VCF-style: chr3-100013942-T-C.
Other names: c.612T>C, p.Leu204= (NM_018309.5).
Identifiers: ClinVar variation 3032696 (VCV003032696.2), dbSNP rs200926398, ClinGen allele CA2514480.

ClinVar aggregate classification (germline): Likely benign (0 of 4 stars; one submission).

Conditions:
TBC1D23-related disorder. Also called: TBC1D23-related condition.

Allele frequency attached by ClinVar (database versions not stated): ExAC 0.00005; TOPMed 0.00005; gnomAD 0.00007; gnomAD exomes 0.00007; ESP Exome Variant Server 0.00015.
gnomAD v4.1: 106 of 1,587,738 alleles (0.0067%); highest among the groups gnomAD compares: Non-Finnish European, 0.0088%; no homozygotes.

Submission:

PreventionGenetics, part of Exact Sciences
Classification: Likely benign for TBC1D23-related condition. Last evaluated: 2023-07-31. Review status: no assertion criteria provided. Collection method: clinical testing. Allele origin: germline.
Comment: This variant is classified as likely benign based on ACMG/AMP sequence variant interpretation guidelines (Richards et al. 2015 PMID: 25741868, with internal and published modifications).